The following is an entry in ClinVar:

NM_001089.3(ABCA3):c.2282C>G (p.Thr761Arg)

Gene: ABCA3 (ATP binding cassette subfamily A member 3; minus strand). Cytogenetic location: 16p13.3.
Variant type: single nucleotide variant.
Coding change: c.2282C>G on transcript NM_001089.3 (MANE Select); coding-DNA position 2282, C replaced by G.
Protein change: p.Thr761Arg; replaces threonine 761 with arginine.
Molecular consequence: missense variant.
Genome position (GRCh38, 1-based): chr16:2,295,722, G>C on the plus strand (C>G on the coding strand, the complement: ABCA3 is on the minus strand). VCF-style: chr16-2295722-G-C. GRCh37 (hg19) VCF-style: chr16-2345723-G-C.
Other names: short protein forms T761R.
Identifiers: ClinVar variation 1516898 (VCV001516898.8), dbSNP rs369081312, ClinGen allele CA7840881.

ClinVar aggregate classification (germline): Uncertain significance. Review status: criteria provided, multiple submitters, no conflicts (2 of 4 stars). 2 submissions from 2 submitters: Uncertain significance (2). Last evaluated 2025-11-08.

Conditions:
Hereditary pulmonary alveolar proteinosis. Also called: Pulmonary surfactant metabolism dysfunction. Identifiers: Orphanet 264675, MedGen C3711368, MONDO:0012580.

Allele frequency attached by ClinVar (database versions not stated): 1000 Genomes Project 30x 0.00016.
gnomAD v4.1: 59 of 1,613,986 alleles (0.0037%); highest among the groups gnomAD compares: Admixed American, 0.042%; no homozygotes.

Submissions (2):

Ambry Genetics
Classification: Uncertain significance for Hereditary pulmonary alveolar proteinosis. Last evaluated: 2025-11-08. Review status: criteria provided, single submitter. Criteria: Ambry Variant Classification Scheme 2023. Collection method: clinical testing. Allele origin: germline.

Labcorp Genetics (formerly Invitae), Labcorp
Classification: Uncertain significance. Last evaluated: 2022-10-01. Review status: criteria provided, single submitter. Criteria: Invitae Variant Classification Sherloc (09022015). Collection method: clinical testing. Allele origin: germline.
Comment: This sequence change replaces threonine, which is neutral and polar, with arginine, which is basic and polar, at codon 761 of the ABCA3 protein (p.Thr761Arg). This variant is present in population databases (rs369081312, gnomAD 0.04%). This variant has not been reported in the literature in individuals affected with ABCA3-related conditions. ClinVar contains an entry for this variant (Variation ID: 1516898). Advanced modeling of protein sequence and biophysical properties (such as structural, functional, and spatial information, amino acid conservation, physicochemical variation, residue mobility, and thermodynamic stability) performed at Invitae indicates that this missense variant is not expected to disrupt ABCA3 protein function. In summary, the available evidence is currently insufficient to determine the role of this variant in disease. Therefore, it has been classified as a Variant of Uncertain Significance.